The following is an entry in ClinVar:

ClinVar aggregate classification (germline): Uncertain significance (1 of 4 stars; one submission).

Submission:

Labcorp Genetics (formerly Invitae), Labcorp
Classification: Uncertain significance. Last evaluated: 2024-07-14. Review status: criteria provided, single submitter. Criteria: Invitae Variant Classification Sherloc (09022015). Collection method: clinical testing. Allele origin: germline.
Comment: This sequence change replaces glycine, which is neutral and non-polar, with glutamic acid, which is acidic and polar, at codon 890 of the CACNA1E protein (p.Gly890Glu). This variant is not present in population databases (gnomAD no frequency). This variant has not been reported in the literature in individuals affected with CACNA1E-related conditions. Advanced modeling of protein sequence and biophysical properties (such as structural, functional, and spatial information, amino acid conservation, physicochemical variation, residue mobility, and thermodynamic stability) has been performed at Invitae for this missense variant, however the output from this modeling did not meet the statistical confidence thresholds required to predict the impact of this variant on CACNA1E protein function. In summary, the available evidence is currently insufficient to determine the role of this variant in disease. Therefore, it has been classified as a Variant of Uncertain Significance.

NM_001205293.3(CACNA1E):c.2669G>A (p.Gly890Glu)

Gene: CACNA1E (calcium voltage-gated channel subunit alpha1 E; plus strand). Cytogenetic location: 1q25.3.
Variant type: single nucleotide variant.
Coding change: c.2669G>A on transcript NM_001205293.3 (MANE Select); coding-DNA position 2669, G replaced by A.
Protein change: p.Gly890Glu; replaces glycine 890 with glutamic acid.
Molecular consequence: missense variant.
Genome position (GRCh38, 1-based): chr1:181,732,755, G>A. VCF-style: chr1-181732755-G-A. GRCh37 (hg19) VCF-style: chr1-181701891-G-A.
Other names: c.2669G>A, p.Gly890Glu (NM_000721.4); c.2612G>A, p.Gly871Glu (NM_001205294.2); short protein forms G871E, G890E.
Identifiers: ClinVar variation 3633670 (VCV003633670.2).
Genomic context (GRCh38, chr1:181,732,755, plus strand): 5'-AGAGGACCCCTTTGTCCCTGGGCCAGCGGGAGCCACCATGGCTGGCCAGGCCCTGTCATG[G>A]AAACTGTGACCCGACTCAGCAGGAGGCAGGGGGAGGAGAGGCTGTGGTGACCTTTGAGGA-3'
Protein context (NP_001192222.1, residues 880-900): EPPWLARPCH[Gly890Glu]NCDPTQQEAG